The following is an entry in ClinVar:

ClinVar aggregate classification (germline): Uncertain significance. Review status: criteria provided, multiple submitters, no conflicts (2 of 4 stars). 2 submissions from 2 submitters: Uncertain significance (2). Last evaluated 2026-05-15.

Conditions:
Dyskeratosis congenita. Identifiers: Orphanet 1775, MedGen C0265965, MONDO:0015780.

gnomAD v4.1: 2 of 1,613,818 alleles (0.00012%); highest among the groups gnomAD compares: Non-Finnish European, 0.00017%; no homozygotes.

Submissions (2):

Ambry Genetics
Classification: Uncertain significance for Dyskeratosis congenita. Last evaluated: 2026-05-15. Review status: criteria provided, single submitter. Criteria: Ambry Variant Classification Scheme 2023. Collection method: clinical testing. Allele origin: germline.
Comment: The p.K1050E variant (also known as c.3148A>G), located in coding exon 14 of the TERT gene, results from an A to G substitution at nucleotide position 3148. The lysine at codon 1050 is replaced by glutamic acid, an amino acid with similar properties. This variant was reported in individual(s) with features consistent with TERT-related disorder; at least one individual was reported to have a telomere length <1st percentile (Cronkhite JT et al. Am J Respir Crit Care Med, 2008 Oct;178:729-37; Niaz A et al. Blood Adv, 2022 Jun;6:3779-3791). This variant has been identified in the homozygous state and/or in conjunction with other TERT variant(s) in individual(s) with features consistent with TERT-related disorder; in at least one instance, the variants were identified in trans (Niaz A et al. Blood Adv, 2022 Jun;6:3779-3791). This amino acid position is not well conserved in available vertebrate species. In addition, this alteration is predicted to be deleterious by in silico analysis. Based on the available evidence, the clinical significance of this variant remains unclear.

GeneDx
Classification: Uncertain significance. Last evaluated: 2023-09-27. Review status: criteria provided, single submitter. Criteria: GeneDx Variant Classification Process June 2021. Collection method: clinical testing. Allele origin: germline. Affected: yes.
Comment: In silico analysis supports that this missense variant does not alter protein structure/function; Not observed at significant frequency in large population cohorts (gnomAD); This variant is associated with the following publications: (PMID: 29382801, 35477117, 28154186, 32054657, 18635888)

Literature cited by the submitters: PubMed 18635888 (cited by Ambry Genetics); PubMed 35477117 (cited by Ambry Genetics).

NM_198253.3(TERT):c.3148A>G (p.Lys1050Glu)

Gene: TERT (telomerase reverse transcriptase; minus strand). Cytogenetic location: 5p15.33.
Variant type: single nucleotide variant.
Coding change: c.3148A>G on transcript NM_198253.3 (MANE Select); coding-DNA position 3148, A replaced by G.
Protein change: p.Lys1050Glu; replaces lysine 1050 with glutamic acid.
Molecular consequence: missense variant. On other transcripts: non-coding transcript variant (2).
Genome position (GRCh38, 1-based): chr5:1,255,296, T>C on the plus strand (A>G on the coding strand, the complement: TERT is on the minus strand). VCF-style: chr5-1255296-T-C. GRCh37 (hg19) VCF-style: chr5-1255411-T-C.
Other names: c.2959A>G, p.Lys987Glu (NM_001193376.3); short protein forms K1050E, K987E.
Identifiers: ClinVar variation 3338863 (VCV003338863.2).